The following is an entry in ClinVar:

NM_018979.4(WNK1):c.7119C>T (p.Asn2373=)

Gene: WNK1 (WNK lysine deficient protein kinase 1; plus strand). Cytogenetic location: 12p13.33.
Variant type: single nucleotide variant.
Coding change: c.7119C>T on transcript NM_018979.4 (MANE Select); coding-DNA position 7119, C replaced by T.
Protein change: p.Asn2373=; no amino-acid change (asparagine 2373 retained).
Molecular consequence: synonymous variant.
Genome position (GRCh38, 1-based): chr12:908,762, C>T. VCF-style: chr12-908762-C-T. GRCh37 (hg19) VCF-style: chr12-1017928-C-T.
Other names: c.7899C>T, p.Asn2633= (NM_001184985.2); c.6375C>T, p.Asn2125= (NM_014823.3); c.7875C>T, p.Asn2625= (NM_213655.5).
Identifiers: ClinVar variation 538530 (VCV000538530.16), dbSNP rs201636547, ClinGen allele CA6383563.
Genomic context (GRCh38, chr12:908,762, plus strand): 5'-TGTGGGAACTGCCTCCTTGCAGAATTTCAACATCAGCAATTTGCAGAAATCCATCAGCAA[C>T]CCCCCAGGCTCCAACCTGCGGACCACTTAGACCTAGAGACATTAACTGAATAGATCTGGG-3'
Protein context (NP_061852.3, residues 2363-2382): NISNLQKSIS[Asn2373=]PPGSNLRTT

ClinVar aggregate classification (germline): Likely benign. Review status: criteria provided, multiple submitters, no conflicts (2 of 4 stars). 3 submissions from 3 submitters: Likely benign (3). Last evaluated 2025-10-21.

Conditions:
Neuropathy, hereditary sensory and autonomic, type 2A (HSAN2A). Also called: ACROOSTEOLYSIS, GIACCAI TYPE; ACROOSTEOLYSIS, NEUROGENIC; WNK1-Related HSAN2 (HSAN2A); HSAN IIA; MORVAN DISEASE; NEUROPATHY, CONGENITAL SENSORY. Identifiers: Orphanet 970, MedGen C2752089, MONDO:0024309, OMIM 201300.
Pseudohypoaldosteronism type 2C (PHA2C). Also called: Pseudohypoaldosteronism Type IIC. Identifiers: Orphanet 757, Orphanet 88940, MedGen C1840391, MONDO:0013778, OMIM 614492.
WNK1-related disorder. Also called: WNK1-related condition.

Allele frequency attached by ClinVar (database versions not stated): gnomAD 0.00003; TOPMed 0.00003; ExAC 0.00005; gnomAD exomes 0.00006; 1000 Genomes Project 30x 0.00016; 1000 Genomes Project 0.00020.
gnomAD v4.1: 96 of 1,613,808 alleles (0.0059%); highest among the groups gnomAD compares: Middle Eastern, 0.016%; 1 homozygote.

Submissions (3):

Labcorp Genetics (formerly Invitae), Labcorp
Classification: Likely benign for Neuropathy, hereditary sensory and autonomic, type 2A; Pseudohypoaldosteronism type 2C. Last evaluated: 2025-10-21. Review status: criteria provided, single submitter. Criteria: Invitae Variant Classification Sherloc (09022015). Collection method: clinical testing. Allele origin: germline.

PreventionGenetics, part of Exact Sciences
Classification: Likely benign for WNK1-related condition. Last evaluated: 2025-05-21. Review status: criteria provided, single submitter. Criteria: ACMG Guidelines, 2015. Collection method: clinical testing. Allele origin: germline.
Comment: This variant is classified as likely benign based on ACMG/AMP sequence variant interpretation guidelines (Richards et al. 2015 PMID: 25741868, with internal and published modifications).

Illumina Laboratory Services, Illumina
Classification: Likely benign for Pseudohypoaldosteronism type 2C. Last evaluated: 2018-01-12. Review status: criteria provided, single submitter. Criteria: ICSL Variant Classification Criteria 13 December 2019. Collection method: clinical testing. Allele origin: germline.
Comment: This variant was observed in the ICSL laboratory as part of a predisposition screen in an ostensibly healthy population. It had not been previously curated by ICSL or reported in the Human Gene Mutation Database (HGMD: prior to June 1st, 2018), and was therefore a candidate for classification through an automated scoring system. Utilizing variant allele frequency, disease prevalence and penetrance estimates, and inheritance mode, an automated score was calculated to assess if this variant is too frequent to cause the disease. Based on the score and internal cut-off values, a variant classified as likely benign is not then subjected to further curation. The score for this variant resulted in a classification of likely benign for this disease.